The following is an entry in ClinVar:

ClinVar aggregate classification (germline): Likely benign (0 of 4 stars; one submission).

Conditions:
SIM1-related disorder. Also called: SIM1-related condition; SIM1-related disorders.

gnomAD v4.1: 1 of 1,613,526 alleles (0.000062%); highest among the groups gnomAD compares: Non-Finnish European, 0.000085%; no homozygotes.

Submission:

PreventionGenetics, part of Exact Sciences
Classification: Likely benign for SIM1-related condition. Last evaluated: 2021-07-13. Review status: no assertion criteria provided. Collection method: clinical testing. Allele origin: germline.
Comment: This variant is classified as likely benign based on ACMG/AMP sequence variant interpretation guidelines (Richards et al. 2015 PMID: 25741868, with internal and published modifications).

NM_005068.3(SIM1):c.831G>A (p.Leu277=)

Gene: SIM1 (SIM bHLH transcription factor 1; minus strand). Cytogenetic location: 6q16.3.
Variant type: single nucleotide variant.
Coding change: c.831G>A on transcript NM_005068.3 (MANE Select); coding-DNA position 831, G replaced by A.
Protein change: p.Leu277=; no amino-acid change (leucine 277 retained).
Molecular consequence: synonymous variant.
Genome position (GRCh38, 1-based): chr6:100,448,165, C>T on the plus strand (G>A on the coding strand, the complement: SIM1 is on the minus strand). VCF-style: chr6-100448165-C-T. GRCh37 (hg19) VCF-style: chr6-100896041-C-T.
Other names: c.831G>A, p.Leu277= (NM_001374769.1).
Identifiers: ClinVar variation 3357948 (VCV003357948.1).